The following is an entry in ClinVar:

NM_001289808.2(CRYAB):c.206G>T (p.Arg69Leu)

Gene: CRYAB (crystallin alpha B; minus strand). Cytogenetic location: 11q23.1.
Variant type: single nucleotide variant.
Coding change: c.206G>T on transcript NM_001289808.2 (MANE Select); coding-DNA position 206, G replaced by T.
Protein change: p.Arg69Leu; replaces arginine 69 with leucine.
Molecular consequence: missense variant.
Genome position (GRCh38, 1-based): chr11:111,910,445, C>A on the plus strand (G>T on the coding strand, the complement: CRYAB is on the minus strand). VCF-style: chr11-111910445-C-A. GRCh37 (hg19) VCF-style: chr11-111781169-C-A.
Other names: c.206G>T, p.Arg69Leu (NM_001289807.1, NM_001368245.1, NM_001885.3); c.5G>T, p.Arg2Leu (NM_001330379.1, NM_001368246.1); short protein forms R2L, R69L.
Identifiers: ClinVar variation 848591 (VCV000848591.9), dbSNP rs987496548, ClinGen allele CA382599721.

ClinVar aggregate classification (germline): Uncertain significance (1 of 4 stars; one submission).

Conditions:
Dilated cardiomyopathy 1II (CMD1II). Identifiers: Orphanet 154, MedGen C3554649, MONDO:0014073, OMIM 615184.

gnomAD v4.1: 13 of 1,613,984 alleles (0.00081%); highest among the groups gnomAD compares: Admixed American, 0.0017%; no homozygotes.

Submission:

Labcorp Genetics (formerly Invitae), Labcorp
Classification: Uncertain significance for Dilated cardiomyopathy 1II. Last evaluated: 2024-09-23. Review status: criteria provided, single submitter. Criteria: Invitae Variant Classification Sherloc (09022015). Collection method: clinical testing. Allele origin: germline.
Comment: This sequence change replaces arginine, which is basic and polar, with leucine, which is neutral and non-polar, at codon 69 of the CRYAB protein (p.Arg69Leu). This variant is not present in population databases (gnomAD no frequency). This variant has not been reported in the literature in individuals affected with CRYAB-related conditions. ClinVar contains an entry for this variant (Variation ID: 848591). An algorithm developed to predict the effect of missense changes on protein structure and function (PolyPhen-2) suggests that this variant is likely to be disruptive. In summary, the available evidence is currently insufficient to determine the role of this variant in disease. Therefore, it has been classified as a Variant of Uncertain Significance.